The following is an entry in ClinVar:

ClinVar aggregate classification (germline): Uncertain significance (1 of 4 stars; one submission).

Submission:

Labcorp Genetics (formerly Invitae), Labcorp
Classification: Uncertain significance. Last evaluated: 2022-05-05. Review status: criteria provided, single submitter. Criteria: Invitae Variant Classification Sherloc (09022015). Collection method: clinical testing. Allele origin: germline.
Comment: This variant has not been reported in the literature in individuals affected with DOCK6-related conditions. In summary, the available evidence is currently insufficient to determine the role of this variant in disease. Therefore, it has been classified as a Variant of Uncertain Significance. Algorithms developed to predict the effect of missense changes on protein structure and function are either unavailable or do not agree on the potential impact of this missense change (SIFT: "Deleterious"; PolyPhen-2: "Probably Damaging"; Align-GVGD: "Class C0"). This variant is not present in population databases (gnomAD no frequency). This sequence change replaces phenylalanine, which is neutral and non-polar, with leucine, which is neutral and non-polar, at codon 707 of the DOCK6 protein (p.Phe707Leu).

NM_020812.4(DOCK6):c.2121C>G (p.Phe707Leu)

Gene: DOCK6 (dedicator of cytokinesis 6; minus strand). Cytogenetic location: 19p13.2.
Variant type: single nucleotide variant.
Coding change: c.2121C>G on transcript NM_020812.4 (MANE Select); coding-DNA position 2121, C replaced by G.
Protein change: p.Phe707Leu; replaces phenylalanine 707 with leucine.
Molecular consequence: missense variant.
Genome position (GRCh38, 1-based): chr19:11,236,832, G>C on the plus strand (C>G on the coding strand, the complement: DOCK6 is on the minus strand). VCF-style: chr19-11236832-G-C. GRCh37 (hg19) VCF-style: chr19-11347508-G-C.
Other names: c.2121C>G, p.Phe707Leu (NM_001367830.1); short protein forms F707L.
Identifiers: ClinVar variation 2134315 (VCV002134315.4), dbSNP rs936602894, ClinGen allele CA404100424.
Genomic context (GRCh38, chr19:11,236,832, plus strand): 5'-GGTTCCCGGCCCACCCCGTACCTGGGGGTGCACAGAGGACACGGCTGTGAGCTCCACACT[G>C]AACACGCCCTTGTGACCGTCCACCCAGCGCATGCCCGGAAGCGCCACCTGTGGGAGGGAG-3'
Protein context (NP_065863.2, residues 697-717): MRWVDGHKGV[Phe707Leu]SVELTAVSSV